The following is an entry in ClinVar:

ClinVar aggregate classification (germline): Pathogenic (1 of 4 stars; one submission).

Conditions:
Cardiovascular phenotype. Identifiers: MedGen CN230736.

Submission:

Ambry Genetics
Classification: Pathogenic for Cardiovascular phenotype. Last evaluated: 2025-03-11. Review status: criteria provided, single submitter. Criteria: Ambry Variant Classification Scheme 2023. Collection method: clinical testing. Allele origin: germline.
Comment: The c.734_735dupCC pathogenic mutation, located in coding exon 4 of the KCNH2 gene, results from a duplication of CC at nucleotide position 734, causing a translational frameshift with a predicted alternate stop codon (p.G246Pfs*115). This variant was reported in individual(s) with features consistent with long QT syndrome (Napolitano C et al. JAMA, 2005 Dec;294:2975-80). This variant is considered to be rare based on population cohorts in the Genome Aggregation Database (gnomAD). This alteration is expected to result in loss of function by premature protein truncation or nonsense-mediated mRNA decay. As such, this alteration is interpreted as a disease-causing mutation.

Literature cited by the submitters: PubMed 16414944.

NM_000238.4(KCNH2):c.734_735dup (p.Gly246fs)

Gene: KCNH2 (potassium voltage-gated channel subfamily H member 2; minus strand). Cytogenetic location: 7q36.1.
Variant type: Duplication.
Coding change: c.734_735dup on transcript NM_000238.4 (MANE Select); coding-DNA positions 734 to 735, 2 bases duplicated (CC; older notation c.734_735dupCC).
Protein change: p.Gly246fs; shifts the reading frame from glycine 246.
Molecular consequence: frameshift variant. On other transcripts: non-coding transcript variant (1).
Genome position (GRCh38, 1-based): chr7:150,958,240-150,958,241, GG duplicated on the plus strand (CC on the coding strand, the reverse complement: KCNH2 is on the minus strand); duplicating any 2 consecutive bases within chr7:150,958,240-150,958,242 gives the same sequence; the c. name uses the placement nearest the transcript's 3' end. VCF-style (leftmost placement, unchanged base first): chr7-150958239-C-CGG. GRCh37 (hg19) VCF-style: chr7-150655327-C-CGG.
Other names: c.446_447dup, p.Gly150fs (NM_001406753.1, NM_001406756.1); c.557_558dup, p.Gly187fs (NM_001406755.1); c.434_435dup, p.Gly146fs (NM_001406757.1); c.734_735dup, p.Gly246fs (NM_172056.3); c.734_735dupCC (NM_000238.3); short protein forms G146fs, G187fs, G150fs, G246fs.
Identifiers: ClinVar variation 3862757 (VCV003862757.1).